The following is an entry in ClinVar:

ClinVar aggregate classification (germline): Pathogenic (1 of 4 stars; one submission).

Conditions:
Renal tubular acidosis with progressive nerve deafness. Also called: RENAL TUBULAR ACIDOSIS, AUTOSOMAL RECESSIVE, WITH PROGRESSIVE NERVE DEAFNESS; RTA WITH PROGRESSIVE NERVE DEAFNESS; Distal Renal Tubular Acidosis with Progressive Sensorineural Deafness; renal tubular acidosis, distal, 2, with progressive sensorineural hearing loss. Identifiers: MedGen C0403554, MONDO:0009968, OMIM 267300.

Submission:

Myriad Genetics, Inc.
Classification: Pathogenic for Renal tubular acidosis with progressive nerve deafness. Last evaluated: 2026-03-28. Review status: criteria provided, single submitter. Criteria: Myriad Autosomal Dominant, Autosomal Recessive and X-Linked Classification Criteria (2023). Collection method: clinical testing. Allele origin: unknown.
Comment: NM_001692.3(ATP6V1B1):c.226_227delAG(R76Efs*6) is expected to be pathogenic in the context of distal renal tubular acidosis with deafness, ATP6V1B1-related. This variant is predicted to lead to an abnormal or absent protein product due to the creation of a premature termination codon in ATP6V1B1, a gene where loss-of-function variants are known to be pathogenic. Please note: this variant was assessed in the context of healthy population screening.

NM_001692.4(ATP6V1B1):c.226_227del (p.Arg76fs)

Gene: ATP6V1B1 (ATPase H+ transporting V1 subunit B1; plus strand). Cytogenetic location: 2p13.3.
Variant type: Microsatellite.
Coding change: c.226_227del on transcript NM_001692.4 (MANE Select); coding-DNA positions 226 to 227, 2 bases deleted (AG; older notation c.226_227delAG).
Protein change: p.Arg76fs; shifts the reading frame from arginine 76.
Molecular consequence: frameshift variant.
Genome position (GRCh38, 1-based): chr2:70,958,097-70,958,098, AG deleted; deleting any 2 consecutive bases within chr2:70,958,095-70,958,098 gives the same sequence; the c. name uses the placement nearest the transcript's 3' end. VCF-style (leftmost placement, unchanged base first): chr2-70958094-CAG-C. GRCh37 (hg19) VCF-style: chr2-71185224-CAG-C.
Other names: short protein forms R76fs.
Identifiers: ClinVar variation 5015740 (VCV005015740.1).